The following is an entry in ClinVar:

NM_053025.4(MYLK):c.1382T>C (p.Ile461Thr)

Gene: MYLK (myosin light chain kinase; minus strand). Cytogenetic location: 3q21.1.
Variant type: single nucleotide variant.
Coding change: c.1382T>C on transcript NM_053025.4 (MANE Select); coding-DNA position 1382, T replaced by C.
Protein change: p.Ile461Thr; replaces isoleucine 461 with threonine.
Molecular consequence: missense variant. On other transcripts: intron variant (2).
Genome position (GRCh38, 1-based): chr3:123,733,030, A>G on the plus strand (T>C on the coding strand, the complement: MYLK is on the minus strand). VCF-style: chr3-123733030-A-G. GRCh37 (hg19) VCF-style: chr3-123451877-A-G.
Other names: c.854T>C, p.Ile285Thr (NM_001321309.2); c.1382T>C, p.Ile461Thr (NM_053027.4); c.1309+657T>C (NM_053028.4, NM_053026.4); short protein forms I285T, I461T.
Identifiers: ClinVar variation 1771323 (VCV001771323.6), dbSNP rs2474550434, ClinGen allele CA354238182.

ClinVar aggregate classification (germline): Uncertain significance. Review status: criteria provided, multiple submitters, no conflicts (2 of 4 stars). 2 submissions from 2 submitters: Uncertain significance (2). Last evaluated 2024-12-05.

Conditions:
Familial thoracic aortic aneurysm and aortic dissection (TAAD). Also called: Thoracic aortic aneurysms and dissections. Identifiers: Orphanet 91387, MedGen C4707243, MONDO:0019625.
Aortic aneurysm, familial thoracic 7 (AAT7). Also called: AORTIC DISSECTION, FAMILIAL, WITH OR WITHOUT AORTIC ANEURYSM. Identifiers: MedGen C3151077, MONDO:0013418, OMIM 613780.

gnomAD v4.1: 17 of 1,614,096 alleles (0.0011%); highest among the groups gnomAD compares: Non-Finnish European, 0.0014%; no homozygotes.

Submissions (2):

Ambry Genetics
Classification: Uncertain significance for Familial thoracic aortic aneurysm and aortic dissection. Last evaluated: 2024-12-05. Review status: criteria provided, single submitter. Criteria: Ambry Variant Classification Scheme 2023. Collection method: clinical testing. Allele origin: germline.
Comment: The p.I461T variant (also known as c.1382T>C), located in coding exon 8 of the MYLK gene, results from a T to C substitution at nucleotide position 1382. The isoleucine at codon 461 is replaced by threonine, an amino acid with similar properties. This amino acid position is conserved. In addition, this alteration is predicted to be tolerated by in silico analysis. Since supporting evidence is limited at this time, the clinical significance of this alteration remains unclear.

Labcorp Genetics (formerly Invitae), Labcorp
Classification: Uncertain significance for Aortic aneurysm, familial thoracic 7. Last evaluated: 2024-11-11. Review status: criteria provided, single submitter. Criteria: Invitae Variant Classification Sherloc (09022015). Collection method: clinical testing. Allele origin: germline.
Comment: This sequence change replaces isoleucine, which is neutral and non-polar, with threonine, which is neutral and polar, at codon 461 of the MYLK protein (p.Ile461Thr). This variant is not present in population databases (gnomAD no frequency). This variant has not been reported in the literature in individuals affected with MYLK-related conditions. ClinVar contains an entry for this variant (Variation ID: 1771323). Invitae Evidence Modeling of protein sequence and biophysical properties (such as structural, functional, and spatial information, amino acid conservation, physicochemical variation, residue mobility, and thermodynamic stability) indicates that this missense variant is not expected to disrupt MYLK protein function with a negative predictive value of 95%. In summary, the available evidence is currently insufficient to determine the role of this variant in disease. Therefore, it has been classified as a Variant of Uncertain Significance.